The following is an entry in ClinVar:

NM_001134831.2(AHI1):c.1454A>G (p.Asn485Ser)

Gene: AHI1 (Abelson helper integration site 1; minus strand). Cytogenetic location: 6q23.3.
Variant type: single nucleotide variant.
Coding change: c.1454A>G on transcript NM_001134831.2 (MANE Select); coding-DNA position 1454, A replaced by G.
Protein change: p.Asn485Ser; replaces asparagine 485 with serine.
Molecular consequence: missense variant.
Genome position (GRCh38, 1-based): chr6:135,448,462, T>C on the plus strand (A>G on the coding strand, the complement: AHI1 is on the minus strand). VCF-style: chr6-135448462-T-C. GRCh37 (hg19) VCF-style: chr6-135769600-T-C.
Other names: c.1454A>G, p.Asn485Ser (NM_001134830.2, NM_001134832.2, NM_001350503.2 and 2 more transcripts); short protein forms N485S.
Identifiers: ClinVar variation 450058 (VCV000450058.18), dbSNP rs375425462, ClinGen allele CA4012589.

ClinVar aggregate classification (germline): Uncertain significance. Review status: criteria provided, multiple submitters, no conflicts (2 of 4 stars). 5 submissions from 5 submitters: Uncertain significance (5). Last evaluated 2025-11-20.

Conditions:
Inborn genetic diseases. Identifiers: MedGen C0950123, MeSH D030342.
Joubert syndrome 3 (JBTS3). Also called: AHI1-related Ciliopathy. Identifiers: Orphanet 220493, MedGen C1837713, MONDO:0012078, OMIM 608629.
Joubert syndrome. Also called: Familial aplasia of the vermis; JOUBERT-BOLTSHAUSER SYNDROME. Identifiers: Orphanet 475, MedGen C5979921, MONDO:0018772.

Allele frequency attached by ClinVar (database versions not stated): gnomAD exomes 0.00001 and 0.00003; ExAC 0.00003; gnomAD 0.00011 and 0.00013; TOPMed 0.00013; ESP Exome Variant Server 0.00017.
gnomAD v4.1: 37 of 1,517,068 alleles (0.0024%); highest among the groups gnomAD compares: African/African-American, 0.041%; no homozygotes.

Submissions (5):

Ambry Genetics
Classification: Uncertain significance for Inborn genetic diseases. Last evaluated: 2025-11-20. Review status: criteria provided, single submitter. Criteria: Ambry Variant Classification Scheme 2023. Collection method: clinical testing. Allele origin: germline.

Fulgent Genetics
Classification: Uncertain significance for Joubert syndrome 3. Last evaluated: 2024-04-25. Review status: criteria provided, single submitter. Criteria: ACMG Guidelines, 2015. Collection method: clinical testing. Allele origin: germline.

GeneDx
Classification: Uncertain significance. Last evaluated: 2022-11-03. Review status: criteria provided, single submitter. Criteria: GeneDx Variant Classification Process June 2021. Collection method: clinical testing. Allele origin: germline. Affected: yes.
Comment: In silico analysis, which includes protein predictors and evolutionary conservation, supports a deleterious effect; Has not been previously published as pathogenic or benign to our knowledge

Labcorp Genetics (formerly Invitae), Labcorp
Classification: Uncertain significance for Joubert syndrome. Last evaluated: 2022-10-04. Review status: criteria provided, single submitter. Criteria: Invitae Variant Classification Sherloc (09022015). Collection method: clinical testing. Allele origin: germline.
Comment: This sequence change replaces asparagine, which is neutral and polar, with serine, which is neutral and polar, at codon 485 of the AHI1 protein (p.Asn485Ser). The frequency data for this variant in the population databases is considered unreliable, as metrics indicate poor data quality at this position in the gnomAD database. This variant has not been reported in the literature in individuals affected with AHI1-related conditions. ClinVar contains an entry for this variant (Variation ID: 450058). Advanced modeling of protein sequence and biophysical properties (such as structural, functional, and spatial information, amino acid conservation, physicochemical variation, residue mobility, and thermodynamic stability) has been performed at Invitae for this missense variant, however the output from this modeling did not meet the statistical confidence thresholds required to predict the impact of this variant on AHI1 protein function. In summary, the available evidence is currently insufficient to determine the role of this variant in disease. Therefore, it has been classified as a Variant of Uncertain Significance.

Blueprint Genetics
Classification: Uncertain significance. Last evaluated: 2022-02-28. Review status: criteria provided, single submitter. Criteria: ACMG Guidelines, 2015. Collection method: clinical testing. Allele origin: germline.